The following is an entry in ClinVar:

ClinVar aggregate classification (germline): Uncertain significance (1 of 4 stars; one submission).

Submission:

Labcorp Genetics (formerly Invitae), Labcorp
Classification: Uncertain significance. Last evaluated: 2022-05-30. Review status: criteria provided, single submitter. Criteria: Invitae Variant Classification Sherloc (09022015). Collection method: clinical testing. Allele origin: germline.
Comment: In summary, the available evidence is currently insufficient to determine the role of this variant in disease. Therefore, it has been classified as a Variant of Uncertain Significance. Experimental studies and prediction algorithms are not available or were not evaluated, and the functional significance of this variant is currently unknown. This variant has not been reported in the literature in individuals affected with SLC16A1-related conditions. This variant results in a copy number gain of the genomic region encompassing exon(s) 3 of the SLC16A1 gene. While the exact position of this variant cannot be determined from the data, sub-genic copy number gains are generally in tandem (PMID: 25640679). This variant is predicted to be in-frame, and likely preserves the integrity of the reading frame.

Literature cited by the submitters: PubMed 25640679.

NC_000001.10:g.(?_113464592)_(113464775_?)dup

Gene: SLC16A1 (solute carrier family 16 member 1; minus strand). Cytogenetic location: 1p13.2.
Variant type: Duplication.
Identifiers: ClinVar variation 2424615 (VCV002424615.4).